The following is an entry in ClinVar:

NM_031934.6(RAB34):c.-38G>C

Genes: NARR (nine-amino acid residue-repeats; minus strand), RAB34 (RAB34, member RAS oncogene family; minus strand). Cytogenetic location: 17q11.2.
Variant type: single nucleotide variant.
Coding change: c.-38G>C on transcript NM_031934.6 (MANE Select); 38 bases upstream of the start codon, G replaced by C.
Molecular consequence: 5 prime UTR variant. On other transcripts: synonymous variant (1), intron variant (4).
Genome position (GRCh38, 1-based): chr17:28,717,304, C>G on the plus strand (G>C on the coding strand, the complement: RAB34 is on the minus strand). VCF-style: chr17-28717304-C-G. GRCh37 (hg19) VCF-style: chr17-27044322-C-G.
Other names: c.-38G>C (NM_001144942.2, NM_001256276.2, NM_001256277.2); c.405G>C, p.Ser135= (NM_001256281.3); c.146+818G>C (NM_001256278.1); c.147-13G>C (NM_001142624.2, NM_001144943.1, NM_001142625.2).
Identifiers: ClinVar variation 3770555 (VCV003770555.13).

ClinVar aggregate classification (germline): Likely benign (1 of 4 stars; one submission).

gnomAD v4.1: 11,764 of 1,564,298 alleles (0.75%); highest among the groups gnomAD compares: Non-Finnish European, 0.9%; 56 homozygotes.

Submission:

CeGaT Center for Human Genetics Tuebingen
Classification: Likely benign. Last evaluated: 2025-08-01. Review status: criteria provided, single submitter. Criteria: CeGaT Center For Human Genetics Tuebingen Variant Classification Criteria Version 2. Collection method: clinical testing. Allele origin: germline. Affected: yes. Observed: 2 variant alleles.
Comment: RAB34: BP4, BP7, BS2